The following is an entry in ClinVar:

ClinVar aggregate classification (germline): Likely pathogenic (1 of 4 stars; one submission).

Conditions:
Beck-Fahrner syndrome (BEFAHRS). Identifiers: Orphanet 684216, MedGen C5394097, MONDO:0032922, OMIM 618798.

Submission:

MVZ Medizinische Genetik Mainz
Classification: Likely pathogenic for Beck-Fahrner syndrome. Last evaluated: 2022-01-15. Review status: criteria provided, single submitter. Criteria: UK Practice Guidelines For Variant Classification V4 01 2020. Collection method: clinical testing. Allele origin: germline. Inheritance: Autosomal dominant inheritance. Affected: yes. Observed: 1 variant allele.
Comment: ACMG Criteria: PVS1,PM2_SUP

NM_001287491.2(TET3):c.1310G>A (p.Trp437Ter)

Gene: TET3 (tet methylcytosine dioxygenase 3; plus strand). Cytogenetic location: 2p13.1.
Variant type: single nucleotide variant.
Coding change: c.1310G>A on transcript NM_001287491.2 (MANE Select); coding-DNA position 1310, G replaced by A.
Protein change: p.Trp437Ter; replaces tryptophan 437 with a stop codon.
Molecular consequence: nonsense.
Genome position (GRCh38, 1-based): chr2:74,047,227, G>A. VCF-style: chr2-74047227-G-A. GRCh37 (hg19) VCF-style: chr2-74274354-G-A.
Other names: c.1031G>A, p.Trp344Ter (NM_001366022.1); c.905G>A, p.Trp302Ter (NM_144993.1); short protein forms W302*, W344*, W437*.
Identifiers: ClinVar variation 3066311 (VCV003066311.1), dbSNP rs2467434544, ClinGen allele CA347327452.
Genomic context (GRCh38, chr2:74,047,227, plus strand): 5'-TTGCTCCTGATAGCTCTGCCTTCCCTCCAGCAACTCCTAGAACTGAGTTCCCTGAAGCCT[G>A]GGGCACTGACACCCCTCCAGCAACGCCCCGGAGCTCCTGGCCCATGCCTCGCCCAAGCCC-3'